The following is an entry in ClinVar:

NM_152703.5(SAMD9L):c.3266C>A (p.Ala1089Glu)

Gene: SAMD9L (sterile alpha motif domain containing 9 like; minus strand). Cytogenetic location: 7q21.2.
Variant type: single nucleotide variant.
Coding change: c.3266C>A on transcript NM_152703.5 (MANE Select); coding-DNA position 3266, C replaced by A.
Protein change: p.Ala1089Glu; replaces alanine 1089 with glutamic acid.
Molecular consequence: missense variant.
Genome position (GRCh38, 1-based): chr7:93,132,706, G>T on the plus strand (C>A on the coding strand, the complement: SAMD9L is on the minus strand). VCF-style: chr7-93132706-G-T. GRCh37 (hg19) VCF-style: chr7-92762019-G-T.
Other names: c.3266C>A, p.Ala1089Glu (NM_001303496.3, NM_001303497.3, NM_001303498.3 and 5 more transcripts); short protein forms A1089E.
Identifiers: ClinVar variation 4863979 (VCV004863979.1).

ClinVar aggregate classification (germline): Uncertain significance (1 of 4 stars; one submission).

Conditions:
Inborn genetic diseases. Identifiers: MedGen C0950123, MeSH D030342.

Submission:

Ambry Genetics
Classification: Uncertain significance for Inborn genetic diseases. Last evaluated: 2026-05-02. Review status: criteria provided, single submitter. Criteria: Ambry Variant Classification Scheme 2023. Collection method: clinical testing. Allele origin: germline.
Comment: The p.A1089E variant (also known as c.3266C>A), located in coding exon 1 of the SAMD9L gene, results from a C to A substitution at nucleotide position 3266. The alanine at codon 1089 is replaced by glutamic acid, an amino acid with dissimilar properties. This amino acid position is conserved. In addition, this alteration is predicted to be deleterious by in silico analysis. Based on the available evidence, the clinical significance of this variant remains unclear.